The following is an entry in ClinVar:

ClinVar aggregate classification (germline): Likely benign (0 of 4 stars; one submission).

Conditions:
KIF1B-related disorder. Also called: KIF1B-related condition.

Allele frequency attached by ClinVar (database versions not stated): gnomAD exomes below 0.00001; ExAC 0.00002; TOPMed 0.00003.
gnomAD v4.1: 3 of 1,611,610 alleles (0.00019%); highest among the groups gnomAD compares: Admixed American, 0.005%; no homozygotes.

Submission:

PreventionGenetics, part of Exact Sciences
Classification: Likely benign for KIF1B-related condition. Last evaluated: 2023-03-16. Review status: no assertion criteria provided. Collection method: clinical testing. Allele origin: germline.
Comment: This variant is classified as likely benign based on ACMG/AMP sequence variant interpretation guidelines (Richards et al. 2015 PMID: 25741868, with internal and published modifications).

NM_001365951.3(KIF1B):c.2115+6813C>A

Gene: KIF1B (kinesin family member 1B; plus strand). Cytogenetic location: 1p36.22.
Variant type: single nucleotide variant.
Coding change: c.2115+6813C>A on transcript NM_001365951.3 (MANE Select); 6813 bases into the intron after coding-DNA position 2115, C replaced by A.
Molecular consequence: intron variant. On other transcripts: synonymous variant (2).
Genome position (GRCh38, 1-based): chr1:10,304,059, C>A. VCF-style: chr1-10304059-C-A. GRCh37 (hg19) VCF-style: chr1-10364117-C-A.
Other names: c.2874C>A, p.Pro958= (NM_001365953.1, NM_183416.4); c.1977+6813C>A (NM_015074.3); c.2115+6813C>A (NM_001365952.1).
Identifiers: ClinVar variation 3051353 (VCV003051353.2), dbSNP rs779441530, ClinGen allele CA581320.